The following is an entry in ClinVar:

ClinVar aggregate classification (germline): Pathogenic (1 of 4 stars; one submission).

Conditions:
Argininosuccinate lyase deficiency. Also called: Argininosuccinic aciduria; ARGININOSUCCINIC ACID LYASE DEFICIENCY; ASL DEFICIENCY. Identifiers: Orphanet 23, MedGen C0268547, MONDO:0008815, OMIM 207900, HP:0025630.

Submission:

Labcorp Genetics (formerly Invitae), Labcorp
Classification: Pathogenic for Argininosuccinate lyase deficiency. Last evaluated: 2022-10-11. Review status: criteria provided, single submitter. Criteria: Invitae Variant Classification Sherloc (09022015). Collection method: clinical testing. Allele origin: germline.
Comment: This sequence change replaces arginine, which is basic and polar, with proline, which is neutral and non-polar, at codon 126 of the ASL protein (p.Arg126Pro). For these reasons, this variant has been classified as Pathogenic. This variant disrupts the p.Arg126 amino acid residue in ASL. Other variant(s) that disrupt this residue have been determined to be pathogenic (PMID: 24166829, 28251416). This suggests that this residue is clinically significant, and that variants that disrupt this residue are likely to be disease-causing. Advanced modeling of protein sequence and biophysical properties (such as structural, functional, and spatial information, amino acid conservation, physicochemical variation, residue mobility, and thermodynamic stability) performed at Invitae indicates that this missense variant is expected to disrupt ASL protein function. ClinVar contains an entry for this variant (Variation ID: 1470472). This missense change has been observed in individual(s) with argininosuccinate lyase deficiency (PMID: 20236848). This variant is not present in population databases (gnomAD no frequency).

Literature cited by the submitters: PubMed 24166829; PubMed 28251416; PubMed 20236848.

NM_000048.4(ASL):c.377G>C (p.Arg126Pro)

Gene: ASL (argininosuccinate lyase; plus strand). Cytogenetic location: 7q11.21.
Variant type: single nucleotide variant.
Coding change: c.377G>C on transcript NM_000048.4 (MANE Select); coding-DNA position 377, G replaced by C.
Protein change: p.Arg126Pro; replaces arginine 126 with proline.
Molecular consequence: missense variant.
Genome position (GRCh38, 1-based): chr7:66,083,105, G>C. VCF-style: chr7-66083105-G-C. GRCh37 (hg19) VCF-style: chr7-65548092-G-C.
Other names: c.377G>C, p.Arg126Pro (NM_001024943.2, NM_001024944.2, NM_001024946.2); short protein forms R126P.
Identifiers: ClinVar variation 1470472 (VCV001470472.8), dbSNP rs777235530, ClinGen allele CA367639328.
Genomic context (GRCh38, chr7:66,083,105, plus strand): 5'-GCCTCCCTGAGCACCATCTCCTCCTTGCACAGGTGGTCACAGACCTCAGGCTGTGGATGC[G>C]GCAGACCTGCTCCACGCTCTCGGGCCTCCTCTGGGAGCTCATTAGGACCATGGTGGATCG-3'
Protein context (NP_000039.2, residues 116-136): QVVTDLRLWM[Arg126Pro]QTCSTLSGLL